The following is an entry in ClinVar:

NM_001999.4(FBN2):c.7571A>C (p.Gln2524Pro)

Gene: FBN2 (fibrillin 2; minus strand). Cytogenetic location: 5q23.3.
Variant type: single nucleotide variant.
Coding change: c.7571A>C on transcript NM_001999.4 (MANE Select); coding-DNA position 7571, A replaced by C.
Protein change: p.Gln2524Pro; replaces glutamine 2524 with proline.
Molecular consequence: missense variant.
Genome position (GRCh38, 1-based): chr5:128,276,061, T>G on the plus strand (A>C on the coding strand, the complement: FBN2 is on the minus strand). VCF-style: chr5-128276061-T-G. GRCh37 (hg19) VCF-style: chr5-127611753-T-G.
Other names: short protein forms Q2524P.
Identifiers: ClinVar variation 2075023 (VCV002075023.4), dbSNP rs2479643911, ClinGen allele CA360753723.

ClinVar aggregate classification (germline): Uncertain significance (1 of 4 stars; one submission).

Conditions:
Congenital contractural arachnodactyly (CCA). Also called: BEALS SYNDROME; Beals-Hecht syndrome; Arthrogryposis, distal, type 9. Identifiers: Orphanet 115, MedGen C0220668, MONDO:0007363, OMIM 121050.

Allele frequency attached by ClinVar (database versions not stated): gnomAD exomes below 0.00001.
gnomAD v4.1: 4 of 1,613,870 alleles (0.00025%); highest among the groups gnomAD compares: Non-Finnish European, 0.00034%; no homozygotes.

Submission:

Labcorp Genetics (formerly Invitae), Labcorp
Classification: Uncertain significance for Congenital contractural arachnodactyly. Last evaluated: 2022-08-25. Review status: criteria provided, single submitter. Criteria: Invitae Variant Classification Sherloc (09022015). Collection method: clinical testing. Allele origin: germline.
Comment: In summary, the available evidence is currently insufficient to determine the role of this variant in disease. Therefore, it has been classified as a Variant of Uncertain Significance. Algorithms developed to predict the effect of missense changes on protein structure and function are either unavailable or do not agree on the potential impact of this missense change (SIFT: "Deleterious"; PolyPhen-2: "Probably Damaging"; Align-GVGD: "Class C0"). This variant has not been reported in the literature in individuals affected with FBN2-related conditions. This variant is not present in population databases (gnomAD no frequency). This sequence change replaces glutamine, which is neutral and polar, with proline, which is neutral and non-polar, at codon 2524 of the FBN2 protein (p.Gln2524Pro).